The following is an entry in ClinVar:

ClinVar aggregate classification (germline): Conflicting classifications of pathogenicity. Review status: criteria provided, conflicting classifications (1 of 4 stars). 5 submissions from 5 submitters: Uncertain significance (1); Likely benign (3). 1 of the submissions does not count toward it. Last evaluated 2026-06-24.

Conditions:
CEP83-related disorder. Also called: CEP83-related condition.
Nephronophthisis 18 (NPHP18). Identifiers: Orphanet 655, MedGen C3890591, MONDO:0014374, OMIM 615862.

Allele frequency attached by ClinVar (database versions not stated): gnomAD exomes 0.00034; ExAC 0.00046; 1000 Genomes Project 30x 0.00062; 1000 Genomes Project 0.00080; gnomAD 0.00122 and 0.00133; TOPMed 0.00144; ESP Exome Variant Server 0.00220.
gnomAD v4.1: 384 of 1,613,174 alleles (0.024%); highest among the groups gnomAD compares: African/African-American, 0.47%; 1 homozygote.

Submissions (5):

GeneDx
Classification: Uncertain significance. Last evaluated: 2026-06-24. Review status: criteria provided, single submitter. Criteria: GeneDx Variant Classification Process June 2021. Collection method: clinical testing. Allele origin: germline.
Comment: In silico analysis suggests that this missense variant does not alter protein structure/function; Has not been previously published as pathogenic or benign to our knowledge

Labcorp Genetics (formerly Invitae), Labcorp
Classification: Likely benign for Nephronophthisis 18. Last evaluated: 2026-02-01. Review status: criteria provided, single submitter. Criteria: Invitae Variant Classification Sherloc (09022015). Collection method: clinical testing. Allele origin: germline.

Blueprint Genetics
Classification: Likely benign. Last evaluated: 2023-09-14. Review status: criteria provided, single submitter. Criteria: ACMG Guidelines, 2015. Collection method: clinical testing. Allele origin: germline.

Breakthrough Genomics
Classification: Likely benign. Review status: criteria provided, single submitter. Criteria: ACMG Guidelines, 2015. Collection method: not provided. Allele origin: germline. Inheritance: Autosomal recessive inheritance. Affected: yes.

PreventionGenetics, part of Exact Sciences
Classification: Likely benign for CEP83-related condition. Last evaluated: 2021-03-16. Review status: no assertion criteria provided. Collection method: clinical testing. Allele origin: germline. Not counted in ClinVar's aggregate classification.
Comment: This variant is classified as likely benign based on ACMG/AMP sequence variant interpretation guidelines (Richards et al. 2015 PMID: 25741868, with internal and published modifications).

NM_016122.3(CEP83):c.1565T>G (p.Leu522Arg)

Gene: CEP83 (centrosomal protein 83; minus strand). Cytogenetic location: 12q22.
Variant type: single nucleotide variant.
Coding change: c.1565T>G on transcript NM_016122.3 (MANE Select); coding-DNA position 1565, T replaced by G.
Protein change: p.Leu522Arg; replaces leucine 522 with arginine.
Molecular consequence: missense variant. On other transcripts: non-coding transcript variant (2).
Genome position (GRCh38, 1-based): chr12:94,333,494, A>C on the plus strand (T>G on the coding strand, the complement: CEP83 is on the minus strand). VCF-style: chr12-94333494-A-C. GRCh37 (hg19) VCF-style: chr12-94727270-A-C.
Other names: c.1565T>G, p.Leu522Arg (NM_001042399.2, NM_001346457.2, NM_001368037.1 and 1 more transcripts); c.1253T>G, p.Leu418Arg (NM_001346458.2, NM_001346459.2, NM_001368039.1 and 1 more transcripts); c.1340T>G, p.Leu447Arg (NM_001368041.1); short protein forms L522R, L418R, L447R.
Identifiers: ClinVar variation 541796 (VCV000541796.16), dbSNP rs150415429, ClinGen allele CA6721616.